The following is an entry in ClinVar:

ClinVar aggregate classification (germline): Uncertain significance. Review status: criteria provided, multiple submitters, no conflicts (2 of 4 stars). 2 submissions from 2 submitters: Uncertain significance (2). Last evaluated 2022-11-09.

Conditions:
Autosomal recessive limb-girdle muscular dystrophy type 2P. Also called: MUSCULAR DYSTROPHY-DYSTROGLYCANOPATHY, LIMB-GIRDLE, DAG1-RELATED; Limb-Girdle Muscular Dystrophy Type 9C; MUSCULAR DYSTROPHY, LIMB-GIRDLE, TYPE 2P. Identifiers: Orphanet 280333, MedGen C4511963, MONDO:0013440, OMIM 613818.

Allele frequency attached by ClinVar (database versions not stated): TOPMed below 0.00001; gnomAD 0.00003; 1000 Genomes Project 30x 0.00047; 1000 Genomes Project 0.00060.
gnomAD v4.1: 72 of 1,614,180 alleles (0.0045%); highest among the groups gnomAD compares: South Asian, 0.069%; no homozygotes.

Submissions (2):

Revvity Omics, Revvity
Classification: Uncertain significance. Last evaluated: 2022-11-09. Review status: criteria provided, single submitter. Criteria: ACMG Guidelines, 2015. Collection method: clinical testing. Allele origin: germline.

Victorian Clinical Genetics Services, Murdoch Childrens Research Institute
Classification: Uncertain significance for Autosomal recessive limb-girdle muscular dystrophy type 2P. Last evaluated: 2020-06-11. Review status: criteria provided, single submitter. Criteria: ACMG Guidelines, 2015. Collection method: clinical testing. Allele origin: germline. Inheritance: Autosomal recessive inheritance.
Comment: Based on the classification scheme VCGS_Germline_v1.1.1, this variant is classified as VUS – 3C. Following criteria are met: 0102 - Loss-of-function is a known mechanism of disease for this gene. (N) 0106 - This gene is known to be associated with autosomal recessive disease. (N) 0200 - Variant is predicted to result in a missense amino acid change from valine to leucine (exon 6). (N) 0252 - Variant is homozygous. (N) 0304 - Variant is present in gnomAD <0.01 for a recessive condition (28 heterozygotes, 0 homozygotes). (P) 0309 - An alternative amino acid change at the same position has been observed in gnomAD (1 heterozygotes, 0 homozygotes). (N) 0503 - Missense variant consistently predicted to be tolerated or not conserved in mammals with a minor amino acid change. (B) 0600 - Variant is located in an annotated domain or motif, (a_DG1 domain; PDB, NCBI). (N) 0705 - No comparable variants have previous evidence for pathogenicity. (N) 0807 - Variant has not previously been reported in a clinical context. (N) 0905 - No segregation evidence has been identified for this variant. (N) 1007 - No published functional evidence has been identified for this variant. (N) 1208 - Inheritance information for this variant is not currently available. (N) Legend: (P) - Pathogenic, (N) - Neutral, (B) - Benign

NM_004393.6(DAG1):c.568G>C (p.Val190Leu)

Gene: DAG1 (dystroglycan 1; plus strand). Cytogenetic location: 3p21.31.
Variant type: single nucleotide variant.
Coding change: c.568G>C on transcript NM_004393.6 (MANE Select); coding-DNA position 568, G replaced by C.
Protein change: p.Val190Leu; replaces valine 190 with leucine.
Molecular consequence: missense variant.
Genome position (GRCh38, 1-based): chr3:49,531,079, G>C. VCF-style: chr3-49531079-G-C. GRCh37 (hg19) VCF-style: chr3-49568512-G-C.
Other names: c.568G>C, p.Val190Leu (NM_001165928.4, NM_001177634.3, NM_001177635.3 and 9 more transcripts); short protein forms V190L.
Identifiers: ClinVar variation 1805724 (VCV001805724.4), dbSNP rs545200027, ClinGen allele CA2398931.